The following is an entry in ClinVar:

NM_001287.6(CLCN7):c.385A>C (p.Ile129Leu)

Gene: CLCN7 (Cl-/H+ antiporter 7; minus strand). Cytogenetic location: 16p13.3.
Variant type: single nucleotide variant.
Coding change: c.385A>C on transcript NM_001287.6 (MANE Select); coding-DNA position 385, A replaced by C.
Protein change: p.Ile129Leu; replaces isoleucine 129 with leucine.
Molecular consequence: missense variant.
Genome position (GRCh38, 1-based): chr16:1,460,915, T>G on the plus strand (A>C on the coding strand, the complement: CLCN7 is on the minus strand). VCF-style: chr16-1460915-T-G. GRCh37 (hg19) VCF-style: chr16-1510916-T-G.
Other names: c.313A>C, p.Ile105Leu (NM_001114331.3); short protein forms I105L, I129L.
Identifiers: ClinVar variation 4802820 (VCV004802820.1).

ClinVar aggregate classification (germline): Uncertain significance (1 of 4 stars; one submission).

Submission:

Labcorp Genetics (formerly Invitae), Labcorp
Classification: Uncertain significance. Last evaluated: 2025-06-14. Review status: criteria provided, single submitter. Criteria: Invitae Variant Classification Sherloc (09022015). Collection method: clinical testing. Allele origin: germline.
Comment: This sequence change replaces isoleucine, which is neutral and non-polar, with leucine, which is neutral and non-polar, at codon 129 of the CLCN7 protein (p.Ile129Leu). This variant is not present in population databases (gnomAD no frequency). This variant has not been reported in the literature in individuals affected with CLCN7-related conditions. Invitae Evidence Modeling of protein sequence and biophysical properties (such as structural, functional, and spatial information, amino acid conservation, physicochemical variation, residue mobility, and thermodynamic stability) indicates that this missense variant is not expected to disrupt CLCN7 protein function with a negative predictive value of 95%. In summary, the available evidence is currently insufficient to determine the role of this variant in disease. Therefore, it has been classified as a Variant of Uncertain Significance.